The following is an entry in ClinVar:

NM_153704.6(TMEM67):c.31A>G (p.Met11Val)

Gene: TMEM67 (transmembrane protein 67; plus strand). Cytogenetic location: 8q22.1.
Variant type: single nucleotide variant.
Coding change: c.31A>G on transcript NM_153704.6 (MANE Select); coding-DNA position 31, A replaced by G.
Protein change: p.Met11Val; replaces methionine 11 with valine.
Molecular consequence: missense variant. On other transcripts: non-coding transcript variant (1), intron variant (1).
Genome position (GRCh38, 1-based): chr8:93,754,945, A>G. VCF-style: chr8-93754945-A-G. GRCh37 (hg19) VCF-style: chr8-94767173-A-G.
Other names: c.-180+36A>G (NM_001142301.1); short protein forms M11V.
Identifiers: ClinVar variation 1050591 (VCV001050591.11), dbSNP rs758761945, ClinGen allele CA4807497.

ClinVar aggregate classification (germline): Uncertain significance. Review status: criteria provided, multiple submitters, no conflicts (2 of 4 stars). 7 submissions from 7 submitters: Uncertain significance (6). 1 of the submissions does not count toward it. Last evaluated 2025-04-30.

Conditions:
TMEM67-related disorder. Also called: TMEM67-related disorders; TMEM67-related condition. Identifiers: MedGen CN239423.
Inborn genetic diseases. Identifiers: MedGen C0950123, MeSH D030342.
Meckel-Gruber syndrome. Also called: Dysencephalia splachnocystica; DYSENCEPHALIA SPLANCHNOCYSTICA; GRUBER SYNDROME. Identifiers: Orphanet 564, MedGen C0265215, MONDO:0018921.
Joubert syndrome. Also called: JOUBERT-BOLTSHAUSER SYNDROME; Familial aplasia of the vermis. Identifiers: Orphanet 475, MedGen C5979921, MONDO:0018772.
Meckel syndrome, type 3 (MKS3). Also called: MECKEL-GRUBER SYNDROME, TYPE 3. Identifiers: Orphanet 564, MedGen C1846357, MONDO:0011821, OMIM 607361.
Joubert syndrome 6 (JBTS6). Identifiers: Orphanet 475, MedGen C1853153, MONDO:0012539, OMIM 610688.
Nephronophthisis 11 (NPHP11). Identifiers: Orphanet 84081, MedGen C3150796, MONDO:0013302, OMIM 613550.
Bardet-Biedl syndrome 14 (BBS14). Identifiers: Orphanet 110, MedGen C2673874, MONDO:0014442, OMIM 615991.
RHYNS syndrome. Also called: RETINITIS PIGMENTOSA SYNDROME; RETINITIS PIGMENTOSA, HYPOPITUITARISM, NEPHRONOPHTHISIS, AND MILD SKELETAL DYSPLASIA. Identifiers: Orphanet 140976, MedGen C1865794, MONDO:0011202, OMIM 602152.
COACH syndrome 1. Identifiers: Orphanet 1454, MedGen C5435651, MONDO:0800103, OMIM 216360, MONDO:0008996.

Allele frequency attached by ClinVar (database versions not stated): ExAC 0.00002; gnomAD exomes 0.00002 and 0.00003; gnomAD 0.00003 and 0.00004; TOPMed 0.00003.

Submissions (7):

PreventionGenetics, part of Exact Sciences
Classification: Uncertain significance for TMEM67-related condition. Last evaluated: 2025-04-30. Review status: criteria provided, single submitter. Criteria: ACMG Guidelines, 2015. Collection method: clinical testing. Allele origin: germline.
Comment: The TMEM67 c.31A>G variant is predicted to result in the amino acid substitution p.Met11Val. To our knowledge, this variant has not been reported in the literature. This variant is reported in 0.0054% of alleles in individuals of East Asian descent in gnomAD. At this time, the clinical significance of this variant is uncertain due to the absence of conclusive functional and genetic evidence.

Labcorp Genetics (formerly Invitae), Labcorp
Classification: Uncertain significance for Joubert syndrome; Meckel-Gruber syndrome. Last evaluated: 2025-01-15. Review status: criteria provided, single submitter. Criteria: Invitae Variant Classification Sherloc (09022015). Collection method: clinical testing. Allele origin: germline.
Comment: This sequence change replaces methionine, which is neutral and non-polar, with valine, which is neutral and non-polar, at codon 11 of the TMEM67 protein (p.Met11Val). This variant is present in population databases (rs758761945, gnomAD 0.006%). This variant has not been reported in the literature in individuals affected with TMEM67-related conditions. ClinVar contains an entry for this variant (Variation ID: 1050591). Invitae Evidence Modeling of protein sequence and biophysical properties (such as structural, functional, and spatial information, amino acid conservation, physicochemical variation, residue mobility, and thermodynamic stability) has been performed for this missense variant. However, the output from this modeling did not meet the statistical confidence thresholds required to predict the impact of this variant on TMEM67 protein function. In summary, the available evidence is currently insufficient to determine the role of this variant in disease. Therefore, it has been classified as a Variant of Uncertain Significance.

Ambry Genetics
Classification: Uncertain significance for Inborn genetic diseases. Last evaluated: 2024-12-04. Review status: criteria provided, single submitter. Criteria: Ambry Variant Classification Scheme 2023. Collection method: clinical testing. Allele origin: germline.

Blueprint Genetics
Classification: Uncertain significance. Last evaluated: 2024-07-24. Review status: criteria provided, single submitter. Criteria: ACMG Guidelines, 2015. Collection method: clinical testing. Allele origin: germline.

Fulgent Genetics
Classification: Uncertain significance for COACH syndrome 1; RHYNS syndrome; Meckel syndrome, type 3; Joubert syndrome 6; Nephronophthisis 11; Bardet-Biedl syndrome 14. Last evaluated: 2022-04-01. Review status: criteria provided, single submitter. Criteria: ACMG Guidelines, 2015. Collection method: clinical testing. Allele origin: unknown.

GeneDx
Classification: Uncertain significance. Last evaluated: 2022-03-08. Review status: criteria provided, single submitter. Criteria: GeneDx Variant Classification Process June 2021. Collection method: clinical testing. Allele origin: germline. Affected: yes.
Comment: Not observed at significant frequency in large population cohorts (gnomAD); In silico analysis supports that this missense variant does not alter protein structure/function; Has not been previously published as pathogenic or benign to our knowledge

Department of Pathology and Laboratory Medicine, Sinai Health System
Classification: Uncertain significance. Review status: no assertion criteria provided. Collection method: clinical testing. Allele origin: unknown. Affected: yes. Study: The Canadian Open Genetics Repository (COGR). Not counted in ClinVar's aggregate classification.